The following is an entry in ClinVar:

NM_000553.6(WRN):c.2245_2448+1213del

Gene: WRN (WRN RecQ like helicase; plus strand). Cytogenetic location: 8p12.
Variant type: Deletion.
Coding change: c.2245_2448+1213del on transcript NM_000553.6 (MANE Select); coding-DNA position 2245 through 1213 bases into the intron after coding-DNA position 2448, 5,971 bases deleted.
Molecular consequence: splice acceptor variant, splice donor variant.
Genome position (GRCh38, 1-based): chr8:31,111,771-31,117,741, 5,971 bases deleted. GRCh37 (hg19): chr8:30,969,287-30,975,257.
Identifiers: ClinVar variation 961727 (VCV000961727.1), ClinGen allele CA1139660429.

ClinVar aggregate classification (germline): Likely pathogenic (1 of 4 stars; one submission).

Conditions:
Werner syndrome (WRN). Identifiers: Orphanet 902, MedGen C0043119, MONDO:0010196, OMIM 277700.

Submission:

Labcorp Genetics (formerly Invitae), Labcorp
Classification: Likely pathogenic for Werner syndrome. Last evaluated: 2019-08-29. Review status: criteria provided, single submitter. Criteria: Invitae Variant Classification Sherloc (09022015). Collection method: clinical testing. Allele origin: germline.
Comment: This variant results in the deletion of exon 20 and part of exon 19 (c.2243_2448+1211del) of the WRN gene. It is expected to disrupt RNA splicing and likely results in an absent or disrupted protein product. This variant has not been reported in the literature in individuals with WRN-related conditions. Loss-of-function variants in WRN are known to be pathogenic (PMID: 16673358). In summary, the currently available evidence indicates that the variant is pathogenic, but additional data are needed to prove that conclusively. Therefore, this variant has been classified as Likely Pathogenic.